The following is an entry in ClinVar:

ClinVar aggregate classification (germline): Uncertain significance (1 of 4 stars; one submission).

Conditions:
DNAH7-related disorder. Also called: DNAH7-related condition.

Allele frequency attached by ClinVar (database versions not stated): TOPMed below 0.00001; gnomAD 0.00001.
gnomAD v4.1: 1 of 1,575,622 alleles (0.000063%); highest among the groups gnomAD compares: African/African-American, 0.0014%; no homozygotes.

Submission:

PreventionGenetics, part of Exact Sciences
Classification: Uncertain significance for DNAH7-related condition. Last evaluated: 2023-07-03. Review status: criteria provided, single submitter. Criteria: ACMG Guidelines, 2015. Collection method: clinical testing. Allele origin: germline.
Comment: The DNAH7 c.10878G>A variant is not predicted to result in an amino acid change (p.=). This variant is predicted to alter splicing based on available splicing prediction programs (Alamut Visual Plus v1.6.1). However, such computer prediction programs are imperfect. To our knowledge, this variant has not been reported in the literature or in a large population database, indicating this variant is rare. At this time, the clinical significance of this variant is uncertain due to the absence of conclusive functional and genetic evidence.

NM_018897.3(DNAH7):c.10878G>A (p.Glu3626=)

Gene: DNAH7 (dynein axonemal heavy chain 7; minus strand). Cytogenetic location: 2q32.3.
Variant type: single nucleotide variant.
Coding change: c.10878G>A on transcript NM_018897.3 (MANE Select); coding-DNA position 10878, G replaced by A.
Protein change: p.Glu3626=; no amino-acid change (glutamic acid 3626 retained).
Molecular consequence: synonymous variant.
Genome position (GRCh38, 1-based): chr2:195,787,010, C>T on the plus strand (G>A on the coding strand, the complement: DNAH7 is on the minus strand). VCF-style: chr2-195787010-C-T. GRCh37 (hg19) VCF-style: chr2-196651734-C-T.
Identifiers: ClinVar variation 2628398 (VCV002628398.1), dbSNP rs1695653106, ClinGen allele CA430536570.